The following is an entry in ClinVar:

ClinVar aggregate classification (germline): Likely benign (0 of 4 stars; one submission).

Conditions:
PLXNA1-related disorder. Also called: PLXNA1-related condition.

Submission:

PreventionGenetics, part of Exact Sciences
Classification: Likely benign for PLXNA1-related condition. Last evaluated: 2021-11-17. Review status: no assertion criteria provided. Collection method: clinical testing. Allele origin: germline.
Comment: This variant is classified as likely benign based on ACMG/AMP sequence variant interpretation guidelines (Richards et al. 2015 PMID: 25741868, with internal and published modifications).

NM_032242.4(PLXNA1):c.4653C>G (p.Ala1551=)

Gene: PLXNA1 (plexin A1; plus strand). Cytogenetic location: 3q21.3.
Variant type: single nucleotide variant.
Coding change: c.4653C>G on transcript NM_032242.4 (MANE Select); coding-DNA position 4653, C replaced by G.
Protein change: p.Ala1551=; no amino-acid change (alanine 1551 retained).
Molecular consequence: synonymous variant.
Genome position (GRCh38, 1-based): chr3:127,028,324, C>G. VCF-style: chr3-127028324-C-G. GRCh37 (hg19) VCF-style: chr3-126747167-C-G.
Identifiers: ClinVar variation 3354688 (VCV003354688.1).
Genomic context (GRCh38, chr3:127,028,324, plus strand): 5'-CAAGGAGAAGCTGCTGGACGCTGCCTACAAGGGCGTGCCCTACTCCCAGCGGCCCAAGGC[C>G]GCGGACATGGACCTGGGTGAGCGGGCGGGGCCACGGCTGCCCGGGGTGTGTGCTGGAGCA-3'
Protein context (NP_115618.3, residues 1541-1561): KGVPYSQRPK[Ala1551=]ADMDLEWRQG